The following is an entry in ClinVar:

NM_002637.4(PHKA1):c.1345_1346del (p.Glu449fs)

Gene: PHKA1 (phosphorylase kinase regulatory subunit alpha 1; minus strand). Cytogenetic location: Xq13.1.
Variant type: Deletion.
Coding change: c.1345_1346del on transcript NM_002637.4 (MANE Select); coding-DNA positions 1345 to 1346, 2 bases deleted (GA; older notation c.1345_1346delGA).
Protein change: p.Glu449fs; shifts the reading frame from glutamic acid 449.
Molecular consequence: frameshift variant.
Genome position (GRCh38, 1-based): chrX:72,644,475-72,644,476, TC deleted on the plus strand (GA on the coding strand, the reverse complement: PHKA1 is on the minus strand); deleting any 2 consecutive bases within chrX:72,644,475-72,644,477 gives the same sequence; the c. name uses the placement nearest the transcript's 3' end. VCF-style (leftmost placement, unchanged base first): chrX-72644474-TTC-T. GRCh37 (hg19) VCF-style: chrX-71864324-TTC-T.
Other names: p.Glu449Argfs*18; c.1345_1346del, p.Glu449fs (NM_001122670.2, NM_001172436.2); short protein forms E449fs.
Identifiers: ClinVar variation 1691438 (VCV001691438.6), dbSNP rs2147747770, ClinGen allele CA2573159501.

ClinVar aggregate classification (germline): Likely pathogenic. Review status: criteria provided, multiple submitters, no conflicts (2 of 4 stars). 2 submissions from 2 submitters: Likely pathogenic (2). Last evaluated 2024-03-19.

Conditions:
Glycogen storage disease IXd (GSD9D). Also called: GSD IXd; Muscle Phosphorylase Kinase Deficiency. Identifiers: Orphanet 715, MedGen C1845151, MONDO:0010362, OMIM 300559.

Submissions (2):

Fulgent Genetics
Classification: Likely pathogenic for Glycogen storage disease IXd. Last evaluated: 2024-03-19. Review status: criteria provided, single submitter. Criteria: ACMG Guidelines, 2015. Collection method: clinical testing. Allele origin: germline.

Mayo Clinic Laboratories, Mayo Clinic
Classification: Likely pathogenic. Last evaluated: 2021-07-15. Review status: criteria provided, single submitter. Criteria: ACMG Guidelines, 2015. Collection method: clinical testing. Allele origin: germline.
Comment: PVS1, PM2